The following is an entry in ClinVar:

NM_004304.5(ALK):c.2487+5G>T

Gene: ALK (ALK receptor tyrosine kinase; minus strand). Cytogenetic location: 2p23.2.
Variant type: single nucleotide variant.
Coding change: c.2487+5G>T on transcript NM_004304.5 (MANE Select); 5 bases into the intron after coding-DNA position 2487, G replaced by T.
Molecular consequence: intron variant.
Genome position (GRCh38, 1-based): chr2:29,233,560, C>A on the plus strand (G>T on the coding strand, the complement: ALK is on the minus strand). VCF-style: chr2-29233560-C-A. GRCh37 (hg19) VCF-style: chr2-29456426-C-A.
Identifiers: ClinVar variation 3854960 (VCV003854960.1).

ClinVar aggregate classification (germline): Uncertain significance (1 of 4 stars; one submission).

Conditions:
Hereditary cancer-predisposing syndrome. Also called: Hereditary neoplastic syndrome; Neoplastic Syndromes, Hereditary; Tumor predisposition; Hereditary Cancer Syndrome. Identifiers: Orphanet 140162, MedGen C0027672, MeSH D009386, MONDO:0015356.

gnomAD v4.1: 2 of 1,614,054 alleles (0.00012%); highest among the groups gnomAD compares: African/African-American, 0.0027%; no homozygotes.

Submission:

Ambry Genetics
Classification: Uncertain significance for Hereditary cancer-predisposing syndrome. Last evaluated: 2025-01-11. Review status: criteria provided, single submitter. Criteria: Ambry Variant Classification Scheme 2023. Collection method: clinical testing. Allele origin: germline.
Comment: The c.2487+5G>T intronic variant results from a G to T substitution 5 nucleotides after coding exon 14 in the ALK gene. This nucleotide position is highly conserved in available vertebrate species. In silico splice site analysis predicts that this alteration will not have any significant effect on splicing. Based on the available evidence, the clinical significance of this variant remains unclear.